The following is an entry in ClinVar:

ClinVar aggregate classification (germline): Uncertain significance (0 of 4 stars; one submission).

Conditions:
Familial long QT syndrome (RWS). Also called: Romano-Ward syndrome; VENTRICULAR FIBRILLATION WITH PROLONGED QT INTERVAL; Congenital long QT syndrome. Identifiers: Orphanet 768, MedGen C1141890, MONDO:0019171.

gnomAD v4.1: 1 of 1,613,350 alleles (0.000062%); highest among the groups gnomAD compares: South Asian, 0.0011%; no homozygotes.

Submission:

Genetics and Genomics Program, Sidra Medicine
Classification: Uncertain significance for Isolated congenital long QT syndrome. Review status: no assertion criteria provided. Collection method: research. Allele origin: unknown. Affected: yes.
Comment: The c.67271A>G missense variant in TTN is absent from population databases such as gnomAD (PM2). In silico predictions support its potential pathogenicity, with SIFT indicating it as pathogenic supporting (PP3). However, missense variants in TTN are frequently benign (BP1), and there is insufficient evidence to determine the clinical significance of this variant. As a result, it is classified as a VUS (ACMG codes: PP3, PM2, BP1).

NM_001267550.2(TTN):c.67271A>G (p.Tyr22424Cys)

Genes: TTN (titin; minus strand), TTN-AS1 (TTN antisense RNA 1; plus strand). Cytogenetic location: 2q31.2.
Variant type: single nucleotide variant.
Coding change: c.67271A>G on transcript NM_001267550.2 (MANE Select); coding-DNA position 67271, A replaced by G.
Protein change: p.Tyr22424Cys; replaces tyrosine 22424 with cysteine.
Molecular consequence: missense variant.
Genome position (GRCh38, 1-based): chr2:178,580,016, T>C on the plus strand (A>G on the coding strand, the complement: TTN is on the minus strand). VCF-style: chr2-178580016-T-C. GRCh37 (hg19) VCF-style: chr2-179444743-T-C.
Other names: c.62348A>G, p.Tyr20783Cys (NM_001256850.1); c.40076A>G, p.Tyr13359Cys (NM_003319.4); c.59567A>G, p.Tyr19856Cys (NM_133378.4); c.40451A>G, p.Tyr13484Cys (NM_133432.3); c.40652A>G, p.Tyr13551Cys (NM_133437.4); short protein forms Y13359C, Y13484C, Y13551C, Y19856C, Y20783C, Y22424C.
Identifiers: ClinVar variation 3358887 (VCV003358887.1).